The following is an entry in ClinVar:

ClinVar aggregate classification (germline): Conflicting classifications of pathogenicity. Review status: criteria provided, conflicting classifications (1 of 4 stars). 8 submissions from 8 submitters: Uncertain significance (7); Likely benign (1). Last evaluated 2026-01-19.

Conditions:
Hereditary cancer-predisposing syndrome. Also called: Tumor predisposition; Neoplastic Syndromes, Hereditary; Hereditary Cancer Syndrome; Hereditary neoplastic syndrome. Identifiers: Orphanet 140162, MedGen C0027672, MeSH D009386, MONDO:0015356.
Cardiovascular phenotype. Identifiers: MedGen CN230736.
Neurofibromatosis, type 1 (NF1). Also called: Neurofibromatosis, type I; NEUROFIBROMATOSIS, TYPE I, SOMATIC; Peripheral type neurofibromatosis; VON RECKLINGHAUSEN DISEASE. Identifiers: Orphanet 636, MedGen C0027831, MONDO:0018975, OMIM 162200. Disease mechanism: loss of function.

Allele frequency attached by ClinVar (database versions not stated): ExAC 0.00001; gnomAD exomes 0.00001; TOPMed 0.00002.
gnomAD v4.1: 3 of 1,613,878 alleles (0.00019%); highest among the groups gnomAD compares: Admixed American, 0.005%; no homozygotes.

Submissions (8):

Labcorp Genetics (formerly Invitae), Labcorp
Classification: Likely benign for Neurofibromatosis, type 1. Last evaluated: 2026-01-19. Review status: criteria provided, single submitter. Criteria: Invitae Variant Classification Sherloc (09022015). Collection method: clinical testing. Allele origin: germline.

Ambry Genetics
Classification: Uncertain significance for Cardiovascular phenotype; Hereditary cancer-predisposing syndrome. Last evaluated: 2025-04-24. Review status: criteria provided, single submitter. Criteria: Ambry Variant Classification Scheme 2023. Collection method: clinical testing. Allele origin: germline.
Comment: The p.T1744A variant (also known as c.5230A>G), located in coding exon 37 of the NF1 gene, results from an A to G substitution at nucleotide position 5230. The threonine at codon 1744 is replaced by alanine, an amino acid with similar properties. This variant has been detected in multiple individuals with no reported features of NF1-associated disease (Ambry internal data). This amino acid position is highly conserved in available vertebrate species. In addition, this alteration is predicted to be deleterious by in silico analysis. Based on the available evidence, the clinical significance of this alteration remains unclear.

GeneDx
Classification: Uncertain significance. Last evaluated: 2024-06-04. Review status: criteria provided, single submitter. Criteria: GeneDx Variant Classification Process June 2021. Collection method: clinical testing. Allele origin: germline. Affected: yes.
Comment: In silico analysis supports that this missense variant has a deleterious effect on protein structure/function; Has not been previously published as pathogenic or benign to our knowledge; This variant is associated with the following publications: (PMID: 30274822)

Women's Health and Genetics/Laboratory Corporation of America, LabCorp
Classification: Uncertain significance. Last evaluated: 2023-08-03. Review status: criteria provided, single submitter. Criteria: LabCorp Variant Classification Summary - May 2015. Collection method: clinical testing. Allele origin: germline.
Comment: Variant summary: NF1 c.5230A>G (p.Thr1744Ala) results in a non-conservative amino acid change in the encoded protein sequence. Four of five in-silico tools predict a damaging effect of the variant on protein function. The variant allele was found at a frequency of 8e-06 in 251034 control chromosomes. The available data on variant occurrences in the general population are insufficient to allow any conclusion about variant significance. To our knowledge, no occurrence of c.5230A>G in individuals affected with Neurofibromatosis Type 1 and no experimental evidence demonstrating its impact on protein function have been reported. Seven submitters have cited clinical-significance assessments for this variant to ClinVar after 2014. All submitters classified the variant as uncertain significance. Based on the evidence outlined above, the variant was classified as uncertain significance.

Genome-Nilou Lab
Classification: Uncertain significance for Neurofibromatosis, type 1. Last evaluated: 2022-03-15. Review status: criteria provided, single submitter. Criteria: ACMG Guidelines, 2015. Collection method: clinical testing. Allele origin: germline. Affected: no.

Johns Hopkins Genomics, Johns Hopkins University
Classification: Uncertain significance for Neurofibromatosis, type 1. Last evaluated: 2021-08-24. Review status: criteria provided, single submitter. Criteria: ACMG Guidelines, 2015. Collection method: clinical testing. Allele origin: germline.
Comment: This NF1 variant (rs747584987) is rare (<0.1%) in a large population dataset (gnomAD: 2/251034 total alleles; 0.0008%; no homozygotes) and has been reported in ClinVar. It has not been reported in the literature, to our knowledge. Of three bioinformatics tools queried, two predict that the substitution would be damaging, while one predicts that it would be tolerated. The threonine residue at this position is evolutionarily conserved across all species assessed. We consider the clinical significance of NF1 c.5293A>G to be uncertain at this time.

PreventionGenetics, part of Exact Sciences
Classification: Uncertain significance. Last evaluated: 2017-11-22. Review status: criteria provided, single submitter. Criteria: ACMG Guidelines, 2015. Collection method: clinical testing. Allele origin: germline.

Center for Human Genetics, Inc
Classification: Uncertain significance for Neurofibromatosis, type 1. Last evaluated: 2016-11-01. Review status: criteria provided, single submitter. Criteria: ACMG Guidelines, 2015. Collection method: clinical testing. Allele origin: germline. Affected: yes.

Literature cited by the submitters: PubMed 10678181 (cited by Women's Health and Genetics/Laboratory Corporation of America, LabCorp); PubMed 23460398 (cited by Women's Health and Genetics/Laboratory Corporation of America, LabCorp); PubMed 29872168 (cited by Women's Health and Genetics/Laboratory Corporation of America, LabCorp); PubMed 27069254 (cited by Women's Health and Genetics/Laboratory Corporation of America, LabCorp); PubMed 33121128 (cited by Johns Hopkins Genomics, Johns Hopkins University).

NM_001042492.3(NF1):c.5293A>G (p.Thr1765Ala)

Gene: NF1 (neurofibromin 1; plus strand). Cytogenetic location: 17q11.2.
Variant type: single nucleotide variant.
Coding change: c.5293A>G on transcript NM_001042492.3 (MANE Select); coding-DNA position 5293, A replaced by G.
Protein change: p.Thr1765Ala; replaces threonine 1765 with alanine.
Molecular consequence: missense variant.
Genome position (GRCh38, 1-based): chr17:31,327,523, A>G. VCF-style: chr17-31327523-A-G. GRCh37 (hg19) VCF-style: chr17-29654541-A-G.
Other names: c.5230A>G, p.Thr1744Ala (NM_000267.4); short protein forms T1765A, T1744A.
Identifiers: ClinVar variation 404477 (VCV000404477.23), dbSNP rs747584987, ClinGen allele CA8487173.
Genomic context (GRCh38, chr17:31,327,523, plus strand): 5'-TCTTCTCCACTTCACCCCGTCACCACCACTTTCCAGGTTGGTTCTACTGCTGTCCAAGTA[A>G]CTTCAGCAGAGCGAACAAAAGTCCTAGGGCAATCAGTCTTTCTAAATGACATTTATTATG-3'
Protein context (NP_001035957.1, residues 1755-1775): IKVGSTAVQV[Thr1765Ala]SAERTKVLGQ